The following is an entry in ClinVar:

NM_000179.3(MSH6):c.91_105delinsA (p.Gly31fs)

Gene: MSH6 (mutS homolog 6; plus strand). Cytogenetic location: 2p16.3.
Variant type: Indel.
Coding change: c.91_105delinsA on transcript NM_000179.3 (MANE Select); coding-DNA positions 91 to 105, GGCGGCCGTGCCGCC replaced by A.
Protein change: p.Gly31fs; shifts the reading frame from glycine 31.
Molecular consequence: frameshift variant. On other transcripts: 5 prime UTR variant (1).
Genome position (GRCh38, 1-based): chr2:47,783,324-47,783,338, GGCGGCCGTGCCGCC replaced by A. VCF-style: chr2-47783324-GGCGGCCGTGCCGCC-A. GRCh37 (hg19) VCF-style: chr2-48010463-GGCGGCCGTGCCGCC-A.
Other names: c.91_105delinsA, p.Gly31fs (NM_001281492.2); c.-646_-632delinsA (NM_001281493.2); c.91_105delGGCGGCCGTGCCGCCinsA, p.Gly31Serfs (NM_001406795.1, NM_001406796.1, NM_001406798.1 and 8 more transcripts); c.-238_-224delGGCGGCCGTGCCGCCinsA (NM_001406799.1); c.36_50delGGCGGCCGTGCCGCCinsA, p.Val15Profs (NM_001406804.1); c.-838_-824delGGCGGCCGTGCCGCCinsA (NM_001406807.1); c.-646_-632delGGCGGCCGTGCCGCCinsA (NM_001406811.1); c.-493_-479delGGCGGCCGTGCCGCCinsA (NM_001406812.1); and 3 more; short protein forms G31fs.
Identifiers: ClinVar variation 1765823 (VCV001765823.2), dbSNP rs2530316571, ClinGen allele CA2580066983.

ClinVar aggregate classification (germline): Pathogenic (1 of 4 stars; one submission).

Conditions:
Hereditary cancer-predisposing syndrome. Also called: Neoplastic Syndromes, Hereditary; Tumor predisposition; Hereditary Cancer Syndrome; Hereditary neoplastic syndrome. Identifiers: Orphanet 140162, MedGen C0027672, MeSH D009386, MONDO:0015356.

Submission:

Ambry Genetics
Classification: Pathogenic for Hereditary cancer-predisposing syndrome. Last evaluated: 2021-08-27. Review status: criteria provided, single submitter. Criteria: Ambry Variant Classification Scheme 2023. Collection method: clinical testing. Allele origin: germline.
Comment: The c.91_105del15insA pathogenic mutation, located in coding exon 1 of the MSH6 gene, results from the deletion of 15 nucleotides and insertion of one nucleotide at nucleotide positions 91 to 105, causing a translational frameshift with a predicted alternate stop codon (p.G31Sfs*54). This alteration is expected to result in loss of function by premature protein truncation or nonsense-mediated mRNA decay. As such, this alteration is interpreted as a disease-causing mutation.